The following is an entry in ClinVar:

NM_031448.6(C19orf12):c.*579C>T

Gene: C19orf12 (chromosome 19 open reading frame 12; minus strand). Cytogenetic location: 19q12.
Variant type: single nucleotide variant.
Coding change: c.*579C>T on transcript NM_031448.6 (MANE Select); 579 bases downstream of the stop codon, C replaced by T.
Molecular consequence: 3 prime UTR variant.
Genome position (GRCh38, 1-based): chr19:29,702,133, G>A on the plus strand (C>T on the coding strand, the complement: C19orf12 is on the minus strand). VCF-style: chr19-29702133-G-A. GRCh37 (hg19) VCF-style: chr19-30193040-G-A.
Other names: c.*579C>T (NM_001031726.4, NM_001256047.2, NM_001282929.1 and 2 more transcripts); c.*626C>T (NM_001256046.3).
Identifiers: ClinVar variation 888943 (VCV000888943.4), dbSNP rs116245746, ClinGen allele CA9351793.

ClinVar aggregate classification (germline): Benign (1 of 4 stars; one submission).

Conditions:
Neurodegeneration with brain iron accumulation 4 (NBIA4). Also called: MITOCHONDRIAL PROTEIN-ASSOCIATED NEURODEGENERATION. Identifiers: Orphanet 289560, MedGen C3280371, MONDO:0013674, OMIM 614298. Disease mechanism: loss of function.

Allele frequency attached by ClinVar (database versions not stated): ExAC 0.00052; gnomAD 0.01014 and 0.01082; 1000 Genomes Project 30x 0.01031; 1000 Genomes Project 0.01038; TOPMed 0.01169.
gnomAD v4.1: 1,884 of 452,960 alleles (0.42%); highest among the groups gnomAD compares: African/African-American, 3.5%; 31 homozygotes.

Submission:

Illumina Laboratory Services, Illumina
Classification: Benign for Neurodegeneration with brain iron accumulation 4. Last evaluated: 2018-01-12. Review status: criteria provided, single submitter. Criteria: ICSL Variant Classification Criteria 13 December 2019. Collection method: clinical testing. Allele origin: germline.
Comment: This variant was observed in the ICSL laboratory as part of a predisposition screen in an ostensibly healthy population. It had not been previously curated by ICSL or reported in the Human Gene Mutation Database (HGMD: prior to June 1st, 2018), and was therefore a candidate for classification through an automated scoring system. Utilizing variant allele frequency, disease prevalence and penetrance estimates, and inheritance mode, an automated score was calculated to assess if this variant is too frequent to cause the disease. Based on the score and internal cut-off values, a variant classified as benign is not then subjected to further curation. The score for this variant resulted in a classification of benign for this disease.